The following is an entry in ClinVar:

NM_004836.7(EIF2AK3):c.308+2T>C

Gene: EIF2AK3 (eukaryotic translation initiation factor 2 alpha kinase 3; minus strand). Cytogenetic location: 2p11.2.
Variant type: single nucleotide variant.
Coding change: c.308+2T>C on transcript NM_004836.7 (MANE Select); the canonical splice donor site of the intron after coding-DNA position 308, T replaced by C.
Molecular consequence: splice donor variant.
Genome position (GRCh38, 1-based): chr2:88,626,965, A>G on the plus strand (T>C on the coding strand, the complement: EIF2AK3 is on the minus strand). VCF-style: chr2-88626965-A-G. GRCh37 (hg19) VCF-style: chr2-88926483-A-G.
Identifiers: ClinVar variation 2699413 (VCV002699413.3), dbSNP rs2528308020, ClinGen allele CA347763063.

ClinVar aggregate classification (germline): Likely pathogenic (1 of 4 stars; one submission).

Allele frequency attached by ClinVar (database versions not stated): gnomAD exomes below 0.00001.
gnomAD v4.1: 1 of 1,607,102 alleles (0.000062%); highest among the groups gnomAD compares: Non-Finnish European, 0.000085%; no homozygotes.

Submission:

Labcorp Genetics (formerly Invitae), Labcorp
Classification: Likely pathogenic. Last evaluated: 2023-06-09. Review status: criteria provided, single submitter. Criteria: Invitae Variant Classification Sherloc (09022015). Collection method: clinical testing. Allele origin: germline.
Comment: This variant has not been reported in the literature in individuals affected with EIF2AK3-related conditions. This variant is not present in population databases (gnomAD no frequency). This sequence change affects a donor splice site in intron 1 of the EIF2AK3 gene. It is expected to disrupt RNA splicing. Variants that disrupt the donor or acceptor splice site typically lead to a loss of protein function (PMID: 16199547), and loss-of-function variants in EIF2AK3 are known to be pathogenic (PMID: 11997520). In summary, the currently available evidence indicates that the variant is pathogenic, but additional data are needed to prove that conclusively. Therefore, this variant has been classified as Likely Pathogenic. Algorithms developed to predict the effect of sequence changes on RNA splicing suggest that this variant may disrupt the consensus splice site.

Literature cited by the submitters: PubMed 16199547; PubMed 11997520.